The following is an entry in ClinVar:

NM_004260.4(RECQL4):c.1A>C (p.Met1Leu)

Genes: RECQL4 (RecQ like helicase 4; minus strand), LOC130001411 (ATAC-STARR-seq lymphoblastoid silent region 19699; plus strand). Cytogenetic location: 8q24.3.
Variant type: single nucleotide variant.
Coding change: c.1A>C on transcript NM_004260.4 (MANE Select); coding-DNA position 1, A replaced by C.
Protein change: p.Met1Leu; changes the start codon (methionine 1).
Molecular consequence: missense variant, initiator codon variant.
Genome position (GRCh38, 1-based): chr8:144,517,784, T>G on the plus strand (A>C on the coding strand, the complement: RECQL4 is on the minus strand). VCF-style: chr8-144517784-T-G. GRCh37 (hg19) VCF-style: chr8-145743168-T-G.
Other names: short protein forms M1L.
Identifiers: ClinVar variation 1053556 (VCV001053556.6), dbSNP rs964623569, ClinGen allele CA187691376.

ClinVar aggregate classification (germline): Uncertain significance (1 of 4 stars; one submission).

Conditions:
Baller-Gerold syndrome (BGS). Also called: CRANIOSYNOSTOSIS WITH RADIAL DEFECTS. Identifiers: Orphanet 1225, MedGen C0265308, MONDO:0009039, OMIM 218600.

Allele frequency attached by ClinVar (database versions not stated): gnomAD 0.00001; TOPMed 0.00002.

Submission:

Labcorp Genetics (formerly Invitae), Labcorp
Classification: Uncertain significance for Baller-Gerold syndrome. Last evaluated: 2025-06-08. Review status: criteria provided, single submitter. Criteria: Invitae Variant Classification Sherloc (09022015). Collection method: clinical testing. Allele origin: germline.
Comment: This sequence change affects the initiator codon of the RECQL4 mRNA. This change may impact translation initiation or efficiency. The next in-frame methionine is located at codon 358. This variant is not present in population databases (gnomAD no frequency). Disruption of the initiator codon has been observed in individual(s) with congenital limb malformations (PMID: 31502745). ClinVar contains an entry for this variant (Variation ID: 1053556). Experimental studies and prediction algorithms are not available or were not evaluated, and the functional significance of this variant is currently unknown. In summary, the available evidence is currently insufficient to determine the role of this variant in disease. Therefore, it has been classified as a Variant of Uncertain Significance.

Literature cited by the submitters: PubMed 31502745.